The following is an entry in ClinVar:

NM_001242896.3(DEPDC5):c.3520T>C (p.Ser1174Pro)

Gene: DEPDC5 (DEP domain containing 5, GATOR1 subcomplex subunit; plus strand). Cytogenetic location: 22q12.3.
Variant type: single nucleotide variant.
Coding change: c.3520T>C on transcript NM_001242896.3 (MANE Select); coding-DNA position 3520, T replaced by C.
Protein change: p.Ser1174Pro; replaces serine 1174 with proline.
Molecular consequence: missense variant. On other transcripts: non-coding transcript variant (4).
Genome position (GRCh38, 1-based): chr22:31,873,289, T>C. VCF-style: chr22-31873289-T-C. GRCh37 (hg19) VCF-style: chr22-32269275-T-C.
Other names: c.3493T>C, p.Ser1165Pro (NM_001136029.4); c.3220T>C, p.Ser1074Pro (NM_001242897.2); c.3454T>C, p.Ser1152Pro (NM_001363852.2, NM_001364320.2); c.3286T>C, p.Ser1096Pro (NM_001363854.2, NM_001364319.2); c.3520T>C, p.Ser1174Pro (NM_001364318.2); c.3436T>C, p.Ser1146Pro (NM_001369901.1, NM_001369902.1); c.3427T>C, p.Ser1143Pro (NM_001369903.1, NM_014662.6); short protein forms S1074P, S1096P, S1143P, S1146P, S1152P, S1165P, S1174P.
Identifiers: ClinVar variation 1309476 (VCV001309476.3), dbSNP rs2092900972, ClinGen allele CA411277326.

ClinVar aggregate classification (germline): Uncertain significance (1 of 4 stars; one submission).

gnomAD v4.1: 1 of 1,614,036 alleles (0.000062%); no homozygotes.

Submission:

GeneDx
Classification: Uncertain significance. Last evaluated: 2024-02-05. Review status: criteria provided, single submitter. Criteria: GeneDx Variant Classification Process June 2021. Collection method: clinical testing. Allele origin: germline. Affected: yes.
Comment: Has not been previously published as pathogenic or benign to our knowledge; Not observed at significant frequency in large population cohorts (gnomAD); In silico analysis supports that this missense variant does not alter protein structure/function